The following is an entry in ClinVar:

NM_000179.3(MSH6):c.510T>G (p.Pro170=)

Gene: MSH6 (mutS homolog 6; plus strand). Cytogenetic location: 2p16.3.
Variant type: single nucleotide variant.
Coding change: c.510T>G on transcript NM_000179.3 (MANE Select); coding-DNA position 510, T replaced by G.
Protein change: p.Pro170=; no amino-acid change (proline 170 retained).
Molecular consequence: synonymous variant. On other transcripts: 5 prime UTR variant (1), intron variant (2).
Genome position (GRCh38, 1-based): chr2:47,795,946, T>G. VCF-style: chr2-47795946-T-G. GRCh37 (hg19) VCF-style: chr2-48023085-T-G.
Other names: c.-393T>G (NM_001281494.2); c.-279-2665T>G (NM_001281493.2); c.238-2665T>G (NM_001281492.2).
Identifiers: ClinVar variation 1077496 (VCV001077496.15), dbSNP rs1572716230, ClinGen allele CA425992802.

ClinVar aggregate classification (germline): Benign/Likely benign. Review status: criteria provided, multiple submitters, no conflicts (2 of 4 stars). 5 submissions from 5 submitters: Benign (1); Likely benign (3). 1 of the submissions does not count toward it. Last evaluated 2025-09-08.

Conditions:
MSH6-related disorder. Also called: MSH6-related condition; MSH6-Related disorders.
Hereditary nonpolyposis colorectal neoplasms. Identifiers: MedGen C0009405, MeSH D003123.
Hereditary cancer-predisposing syndrome. Also called: Tumor predisposition; Hereditary neoplastic syndrome; Neoplastic Syndromes, Hereditary; Hereditary Cancer Syndrome. Identifiers: Orphanet 140162, MedGen C0027672, MeSH D009386, MONDO:0015356.
Lynch syndrome. Identifiers: Orphanet 144, MedGen C4552100, MONDO:0005835. Disease mechanism: loss of function.
Lynch syndrome 5 (LYNCH5). Also called: Colorectal cancer, hereditary nonpolyposis, type 5; Hereditary non-polyposis colorectal cancer, type 5. Identifiers: Orphanet 144, MedGen C1833477, MONDO:0013710, OMIM 614350. Disease mechanism: loss of function.

Submissions (5):

Labcorp Genetics (formerly Invitae), Labcorp
Classification: Likely benign for Hereditary nonpolyposis colorectal neoplasms. Last evaluated: 2025-09-08. Review status: criteria provided, single submitter. Criteria: Invitae Variant Classification Sherloc (09022015). Collection method: clinical testing. Allele origin: germline.

Myriad Genetics, Inc.
Classification: Benign for Lynch syndrome 5. Last evaluated: 2024-12-19. Review status: criteria provided, single submitter. Criteria: Myriad Autosomal Dominant, Autosomal Recessive and X-Linked Classification Criteria (2023). Collection method: clinical testing. Allele origin: unknown.
Comment: This variant is considered benign. This variant is a silent/synonymous amino acid change and it is not expected to impact splicing.

All of Us Research Program, National Institutes of Health
Classification: Likely benign for Lynch syndrome. Last evaluated: 2023-11-28. Review status: criteria provided, single submitter. Criteria: ACMG Guidelines, 2015. Collection method: clinical testing. Allele origin: germline. Inheritance: Autosomal dominant inheritance. Observed: 1 variant allele, 1 heterozygote.
Comment: This study involves interpretation of variants in research participants for the purpose of population health screening. Participant phenotype was not available at the time of variant classification. Additional details can be found in publication PMID: 35346344, PMCID: PMC8962531

Ambry Genetics
Classification: Likely benign for Hereditary cancer-predisposing syndrome. Last evaluated: 2021-01-26. Review status: criteria provided, single submitter. Criteria: Ambry Variant Classification Scheme 2023. Collection method: clinical testing. Allele origin: germline.

PreventionGenetics, part of Exact Sciences
Classification: Likely benign for MSH6-related condition. Last evaluated: 2020-08-06. Review status: no assertion criteria provided. Collection method: clinical testing. Allele origin: germline. Not counted in ClinVar's aggregate classification.
Comment: This variant is classified as likely benign based on ACMG/AMP sequence variant interpretation guidelines (Richards et al. 2015 PMID: 25741868, with internal and published modifications).